The following is an entry in ClinVar:

ClinVar aggregate classification (germline): Uncertain significance. Review status: criteria provided, multiple submitters, no conflicts (2 of 4 stars). 4 submissions from 4 submitters: Uncertain significance (4). Last evaluated 2025-06-03.

Conditions:
Hereditary nonpolyposis colorectal neoplasms. Identifiers: MedGen C0009405, MeSH D003123.
Endometrial carcinoma. Also called: Endometrial carcinoma, somatic. Identifiers: MedGen C0476089, MONDO:0002447, OMIM 608089, HP:0012114.
Hereditary cancer-predisposing syndrome. Also called: Hereditary neoplastic syndrome; Hereditary Cancer Syndrome; Tumor predisposition; Neoplastic Syndromes, Hereditary. Identifiers: Orphanet 140162, MedGen C0027672, MeSH D009386, MONDO:0015356.

Submissions (4):

Color Diagnostics, LLC DBA Color Health
Classification: Uncertain significance for Hereditary cancer-predisposing syndrome. Last evaluated: 2025-06-03. Review status: criteria provided, single submitter. Criteria: ACMG Guidelines, 2015. Collection method: clinical testing. Allele origin: germline.
Comment: This missense variant replaces methionine with threonine at codon 1033 of the MSH6 protein. Computational prediction suggests that this variant may have deleterious impact on protein structure and function. To our knowledge, functional studies have not been reported for this variant. This variant has not been reported in individuals affected with MSH6-related disorders in the literature. This variant has not been identified in the general population by the Genome Aggregation Database (gnomAD). The available evidence is insufficient to determine the role of this variant in disease conclusively. Therefore, this variant is classified as a Variant of Uncertain Significance.

Ambry Genetics
Classification: Uncertain significance for Hereditary cancer-predisposing syndrome. Last evaluated: 2025-01-02. Review status: criteria provided, single submitter. Criteria: Ambry Variant Classification Scheme 2023. Collection method: clinical testing. Allele origin: germline.
Comment: The p.M1033T variant (also known as c.3098T>C), located in coding exon 4 of the MSH6 gene, results from a T to C substitution at nucleotide position 3098. The methionine at codon 1033 is replaced by threonine, an amino acid with similar properties. This amino acid position is highly conserved in available vertebrate species. In addition, this alteration is predicted to be deleterious by in silico analysis. Based on the available evidence, the clinical significance of this variant remains unclear.

Baylor Genetics
Classification: Uncertain significance for Endometrial carcinoma. Last evaluated: 2024-02-13. Review status: criteria provided, single submitter. Criteria: ACMG Guidelines, 2015. Collection method: clinical testing. Allele origin: unknown.

Labcorp Genetics (formerly Invitae), Labcorp
Classification: Uncertain significance for Hereditary nonpolyposis colorectal neoplasms. Last evaluated: 2023-04-04. Review status: criteria provided, single submitter. Criteria: Invitae Variant Classification Sherloc (09022015). Collection method: clinical testing. Allele origin: germline.
Comment: This variant is not present in population databases (gnomAD no frequency). This sequence change replaces methionine, which is neutral and non-polar, with threonine, which is neutral and polar, at codon 1033 of the MSH6 protein (p.Met1033Thr). This variant has not been reported in the literature in individuals affected with MSH6-related conditions. ClinVar contains an entry for this variant (Variation ID: 1523413). Advanced modeling of protein sequence and biophysical properties (such as structural, functional, and spatial information, amino acid conservation, physicochemical variation, residue mobility, and thermodynamic stability) performed at Invitae indicates that this missense variant is not expected to disrupt MSH6 protein function. In summary, the available evidence is currently insufficient to determine the role of this variant in disease. Therefore, it has been classified as a Variant of Uncertain Significance.

NM_000179.3(MSH6):c.3098T>C (p.Met1033Thr)

Gene: MSH6 (mutS homolog 6; plus strand). Cytogenetic location: 2p16.3.
Variant type: single nucleotide variant.
Coding change: c.3098T>C on transcript NM_000179.3 (MANE Select); coding-DNA position 3098, T replaced by C.
Protein change: p.Met1033Thr; replaces methionine 1033 with threonine.
Molecular consequence: missense variant.
Genome position (GRCh38, 1-based): chr2:47,801,081, T>C. VCF-style: chr2-47801081-T-C. GRCh37 (hg19) VCF-style: chr2-48028220-T-C.
Other names: c.2708T>C, p.Met903Thr (NM_001281492.2); c.2192T>C, p.Met731Thr (NM_001281493.2, NM_001281494.2); c.3098T>C (NM_000179.2); short protein forms M731T, M903T, M1033T.
Identifiers: ClinVar variation 1523413 (VCV001523413.10), dbSNP rs751035257, ClinGen allele CA346756600.